The following is an entry in ClinVar:

ClinVar aggregate classification (germline): Uncertain significance (1 of 4 stars; one submission).

Allele frequency attached by ClinVar (database versions not stated): gnomAD 0.00002; TOPMed 0.00002.
gnomAD v4.1: 16 of 1,613,930 alleles (0.00099%); highest among the groups gnomAD compares: East Asian, 0.0022%; no homozygotes.

Submission:

Labcorp Genetics (formerly Invitae), Labcorp
Classification: Uncertain significance. Last evaluated: 2024-02-17. Review status: criteria provided, single submitter. Criteria: Invitae Variant Classification Sherloc (09022015). Collection method: clinical testing. Allele origin: germline.
Comment: This sequence change replaces valine, which is neutral and non-polar, with methionine, which is neutral and non-polar, at codon 266 of the KCNH1 protein (p.Val266Met). This variant is not present in population databases (gnomAD no frequency). This missense change has been observed in individual(s) with epilepsy (PMID: 31957018). ClinVar contains an entry for this variant (Variation ID: 1524235). Advanced modeling of protein sequence and biophysical properties (such as structural, functional, and spatial information, amino acid conservation, physicochemical variation, residue mobility, and thermodynamic stability) performed at Invitae indicates that this missense variant is expected to disrupt KCNH1 protein function with a positive predictive value of 95%. In summary, the available evidence is currently insufficient to determine the role of this variant in disease. Therefore, it has been classified as a Variant of Uncertain Significance.

Literature cited by the submitters: PubMed 31957018.

NM_172362.3(KCNH1):c.796G>A (p.Val266Met)

Gene: KCNH1 (potassium voltage-gated channel subfamily H member 1; minus strand). Cytogenetic location: 1q32.2.
Variant type: single nucleotide variant.
Coding change: c.796G>A on transcript NM_172362.3 (MANE Select); coding-DNA position 796, G replaced by A.
Protein change: p.Val266Met; replaces valine 266 with methionine.
Molecular consequence: missense variant.
Genome position (GRCh38, 1-based): chr1:211,019,019, C>T on the plus strand (G>A on the coding strand, the complement: KCNH1 is on the minus strand). VCF-style: chr1-211019019-C-T. GRCh37 (hg19) VCF-style: chr1-211192361-C-T.
Other names: c.796G>A, p.Val266Met (NM_002238.4); short protein forms V266M.
Identifiers: ClinVar variation 1524235 (VCV001524235.8), dbSNP rs1014560149, ClinGen allele CA37149616.